The following is an entry in ClinVar:

ClinVar aggregate classification (germline): Uncertain significance (1 of 4 stars; one submission).

Conditions:
Cohen syndrome (COH1). Also called: Cutis verticis gyrata, retinitis pigmentosa, and sensorineural deafness; PEPPER SYNDROME. Identifiers: Orphanet 193, MedGen C0265223, MONDO:0008999, OMIM 216550.

Submission:

Labcorp Genetics (formerly Invitae), Labcorp
Classification: Uncertain significance for Cohen syndrome. Last evaluated: 2025-11-17. Review status: criteria provided, single submitter. Criteria: Invitae Variant Classification Sherloc (09022015). Collection method: clinical testing. Allele origin: germline.
Comment: This sequence change replaces asparagine, which is neutral and polar, with serine, which is neutral and polar, at codon 2779 of the VPS13B protein (p.Asn2779Ser). This variant is not present in population databases (gnomAD no frequency). This variant has not been reported in the literature in individuals affected with VPS13B-related conditions. Invitae Evidence Modeling of protein sequence and biophysical properties (such as structural, functional, and spatial information, amino acid conservation, physicochemical variation, residue mobility, and thermodynamic stability) indicates that this missense variant is not expected to disrupt VPS13B protein function with a negative predictive value of 80%. In summary, the available evidence is currently insufficient to determine the role of this variant in disease. Therefore, it has been classified as a Variant of Uncertain Significance.

NM_152564.5(VPS13B):c.8261A>G (p.Asn2754Ser)

Gene: VPS13B (vacuolar protein sorting 13 homolog B; plus strand). Cytogenetic location: 8q22.2.
Variant type: single nucleotide variant.
Coding change: c.8261A>G on transcript NM_152564.5 (MANE Select); coding-DNA position 8261, A replaced by G.
Protein change: p.Asn2754Ser; replaces asparagine 2754 with serine.
Molecular consequence: missense variant.
Genome position (GRCh38, 1-based): chr8:99,817,703, A>G. VCF-style: chr8-99817703-A-G. GRCh37 (hg19) VCF-style: chr8-100829931-A-G.
Other names: c.8336A>G, p.Asn2779Ser (NM_017890.5); short protein forms N2754S, N2779S.
Identifiers: ClinVar variation 4805432 (VCV004805432.1).